The following is an entry in ClinVar:

ClinVar aggregate classification (germline): Benign/Likely benign. Review status: criteria provided, multiple submitters, no conflicts (2 of 4 stars). 4 submissions from 4 submitters: Benign (1); Likely benign (3). Last evaluated 2025-03-16.

Conditions:
Familial cancer of breast. Also called: BREAST CANCER, FAMILIAL; hereditary breast carcinoma; Hereditary breast cancer. Identifiers: Orphanet 227535, MedGen C0346153, MONDO:0016419, OMIM 114480. Disease mechanism: loss of function.
Hereditary cancer-predisposing syndrome. Also called: Tumor predisposition; Hereditary neoplastic syndrome; Neoplastic Syndromes, Hereditary; Hereditary Cancer Syndrome. Identifiers: Orphanet 140162, MedGen C0027672, MeSH D009386, MONDO:0015356.

Allele frequency attached by ClinVar (database versions not stated): gnomAD exomes below 0.00001.
gnomAD v4.1: 1 of 1,614,092 alleles (0.000062%); highest among the groups gnomAD compares: Non-Finnish European, 0.000085%; no homozygotes.

Submissions (4):

Labcorp Genetics (formerly Invitae), Labcorp
Classification: Likely benign for Familial cancer of breast. Last evaluated: 2025-03-16. Review status: criteria provided, single submitter. Criteria: Invitae Variant Classification Sherloc (09022015). Collection method: clinical testing. Allele origin: germline.

Myriad Genetics, Inc.
Classification: Benign for Familial cancer of breast. Last evaluated: 2025-01-09. Review status: criteria provided, single submitter. Criteria: Myriad Autosomal Dominant, Autosomal Recessive and X-Linked Classification Criteria (2023). Collection method: clinical testing. Allele origin: unknown.
Comment: This variant is considered benign. This variant is a silent/synonymous amino acid change and it is not expected to impact splicing.

Ambry Genetics
Classification: Likely benign for Hereditary cancer-predisposing syndrome. Last evaluated: 2022-05-11. Review status: criteria provided, single submitter. Criteria: Ambry Variant Classification Scheme 2023. Collection method: clinical testing. Allele origin: germline.

Color Diagnostics, LLC DBA Color Health
Classification: Likely benign for Hereditary cancer-predisposing syndrome. Last evaluated: 2020-07-21. Review status: criteria provided, single submitter. Criteria: ACMG Guidelines, 2015. Collection method: clinical testing. Allele origin: germline.

NM_024675.4(PALB2):c.93A>G (p.Thr31=)

Gene: PALB2 (partner and localizer of BRCA2; minus strand). Cytogenetic location: 16p12.2.
Variant type: single nucleotide variant.
Coding change: c.93A>G on transcript NM_024675.4 (MANE Select); coding-DNA position 93, A replaced by G.
Protein change: p.Thr31=; no amino-acid change (threonine 31 retained).
Molecular consequence: synonymous variant.
Genome position (GRCh38, 1-based): chr16:23,638,085, T>C on the plus strand (A>G on the coding strand, the complement: PALB2 is on the minus strand). VCF-style: chr16-23638085-T-C. GRCh37 (hg19) VCF-style: chr16-23649406-T-C.
Identifiers: ClinVar variation 751195 (VCV000751195.16), dbSNP rs1597101837, ClinGen allele CA494167958.